The following is an entry in ClinVar:

ClinVar aggregate classification (germline): Pathogenic (1 of 4 stars; one submission).

Submission:

Labcorp Genetics (formerly Invitae), Labcorp
Classification: Pathogenic. Last evaluated: 2024-10-24. Review status: criteria provided, single submitter. Criteria: Invitae Variant Classification Sherloc (09022015). Collection method: clinical testing. Allele origin: germline.
Comment: This sequence change creates a premature translational stop signal (p.Pro313Argfs*171) in the RUNX2 gene. While this is not anticipated to result in nonsense mediated decay, it is expected to disrupt the last 209 amino acid(s) of the RUNX2 protein. This variant is not present in population databases (gnomAD no frequency). This premature translational stop signal has been observed in individual(s) with RUNX2-related conditions (PMID: 16222673). This variant disrupts a region of the RUNX2 protein in which other variant(s) (p.Gly462*) have been determined to be pathogenic (PMID: 28703881; internal data). This suggests that this is a clinically significant region of the protein, and that variants that disrupt it are likely to be disease-causing. For these reasons, this variant has been classified as Pathogenic.

Literature cited by the submitters: PubMed 16222673; PubMed 28703881.

NM_001024630.4(RUNX2):c.938del (p.Pro313fs)

Gene: RUNX2 (RUNX family transcription factor 2; plus strand). Cytogenetic location: 6p21.1.
Variant type: Deletion.
Coding change: c.938del on transcript NM_001024630.4 (MANE Select); coding-DNA position 938, one base deleted (C; older notation c.938delC).
Protein change: p.Pro313fs; shifts the reading frame from proline 313.
Molecular consequence: frameshift variant.
Genome position (GRCh38, 1-based): chr6:45,512,324, C deleted; the last of 4 consecutive C bases (chr6:45,512,321-45,512,324); deleting any one gives the same sequence. VCF-style (leftmost placement, unchanged base first): chr6-45512320-TC-T. GRCh37 (hg19) VCF-style: chr6-45480057-TC-T.
Other names: c.938del, p.Pro313fs (NM_001015051.4); c.896del, p.Pro299fs (NM_001278478.2, NM_001369405.1); short protein forms P299fs, P313fs.
Identifiers: ClinVar variation 3720695 (VCV003720695.2).